The following is an entry in ClinVar:

NM_002283.4(KRT85):c.587A>G (p.Glu196Gly)

Gene: KRT85 (keratin 85; minus strand). Cytogenetic location: 12q13.13.
Variant type: single nucleotide variant.
Coding change: c.587A>G on transcript NM_002283.4 (MANE Select); coding-DNA position 587, A replaced by G.
Protein change: p.Glu196Gly; replaces glutamic acid 196 with glycine.
Molecular consequence: missense variant.
Genome position (GRCh38, 1-based): chr12:52,365,004, T>C on the plus strand (A>G on the coding strand, the complement: KRT85 is on the minus strand). VCF-style: chr12-52365004-T-C. GRCh37 (hg19) VCF-style: chr12-52758788-T-C.
Other names: short protein forms E196G.
Identifiers: ClinVar variation 5005129 (VCV005005129.2).

ClinVar aggregate classification (germline): Uncertain significance (1 of 4 stars; one submission).

Conditions:
Ectodermal dysplasia 4, hair/nail type (ECTD4). Identifiers: Orphanet 69084, MedGen C4024880, MONDO:0011177, OMIM 602032.

Submission:

Juno Genomics, Hangzhou Juno Genomics, Inc
Classification: Uncertain significance for Ectodermal dysplasia 4, hair/nail type. Review status: criteria provided, single submitter. Criteria: ACMG Guidelines, 2015. Collection method: clinical testing. Allele origin: germline.
Comment: Absent from controls (or at extremely low frequency if recessive) in Genome Aggregation Database.;Multiple lines of computational evidence support a deleterious effect on the gene or gene product.